The following is an entry in ClinVar:

ClinVar aggregate classification (germline): Uncertain significance (1 of 4 stars; one submission).

Submission:

Labcorp Genetics (formerly Invitae), Labcorp
Classification: Uncertain significance. Last evaluated: 2022-08-22. Review status: criteria provided, single submitter. Criteria: Invitae Variant Classification Sherloc (09022015). Collection method: clinical testing. Allele origin: germline.
Comment: This variant results in a copy number gain of the genomic region encompassing exon(s) 15-16 of the ITGAM gene. While the exact position of this variant cannot be determined from the data, sub-genic copy number gains are generally in tandem (PMID: 25640679). This variant is predicted to be out-of-frame, and may result in an absent or disrupted protein product. However, the current clinical and genetic evidence is not sufficient to establish whether loss-of-function variants in ITGAM cause disease. This variant has not been reported in the literature in individuals affected with ITGAM-related conditions. In summary, the available evidence is currently insufficient to determine the role of this variant in disease. Therefore, it has been classified as a Variant of Uncertain Significance.

Literature cited by the submitters: PubMed 25640679.

NC_000016.9:g.(?_31332542)_(31332968_?)dup

Gene: ITGAM (integrin subunit alpha M; plus strand). Cytogenetic location: 16p11.2.
Variant type: Duplication.
Identifiers: ClinVar variation 2423336 (VCV002423336.4).